The following is an entry in ClinVar:

ClinVar aggregate classification (germline): Uncertain significance. Review status: criteria provided, multiple submitters, no conflicts (2 of 4 stars). 2 submissions from 2 submitters: Uncertain significance (2). Last evaluated 2022-05-03.

Conditions:
Peroxisome biogenesis disorder 9B. Also called: PEX7-Related Refsum Disease; Refsum disease, adult, 2; PEROXISOME BIOGENESIS DISORDER, PEX7-RELATED, ATYPICAL. Identifiers: Orphanet 773, MedGen C2749346, MONDO:0013945, OMIM 614879.

Allele frequency attached by ClinVar (database versions not stated): ExAC 0.00002; gnomAD exomes 0.00001; TOPMed 0.00003; gnomAD 0.00004.
gnomAD v4.1: 6 of 1,595,696 alleles (0.00038%); highest among the groups gnomAD compares: African/African-American, 0.008%; no homozygotes.

Submissions (2):

Labcorp Genetics (formerly Invitae), Labcorp
Classification: Uncertain significance for Peroxisome biogenesis disorder 9B. Last evaluated: 2022-05-03. Review status: criteria provided, single submitter. Criteria: Invitae Variant Classification Sherloc (09022015). Collection method: clinical testing. Allele origin: germline.
Comment: This sequence change replaces leucine, which is neutral and non-polar, with phenylalanine, which is neutral and non-polar, at codon 296 of the PEX7 protein (p.Leu296Phe). This variant is present in population databases (rs760967879, gnomAD 0.01%). This variant has not been reported in the literature in individuals affected with PEX7-related conditions. ClinVar contains an entry for this variant (Variation ID: 199007). Algorithms developed to predict the effect of missense changes on protein structure and function are either unavailable or do not agree on the potential impact of this missense change (SIFT: "Tolerated"; PolyPhen-2: "Probably Damaging"; Align-GVGD: "Class C0"). In summary, the available evidence is currently insufficient to determine the role of this variant in disease. Therefore, it has been classified as a Variant of Uncertain Significance.

Eurofins Ntd Llc (ga)
Classification: Uncertain significance. Last evaluated: 2014-07-07. Review status: criteria provided, single submitter. Criteria: EGL Classification Definitions 2015. Collection method: clinical testing. Allele origin: germline. Observed: 1 variant allele, 1 heterozygote.

NM_000288.4(PEX7):c.886C>T (p.Leu296Phe)

Gene: PEX7 (peroxisomal biogenesis factor 7; plus strand). Cytogenetic location: 6q23.3.
Variant type: single nucleotide variant.
Coding change: c.886C>T on transcript NM_000288.4 (MANE Select); coding-DNA position 886, C replaced by T.
Protein change: p.Leu296Phe; replaces leucine 296 with phenylalanine.
Molecular consequence: missense variant.
Genome position (GRCh38, 1-based): chr6:136,898,224, C>T. VCF-style: chr6-136898224-C-T. GRCh37 (hg19) VCF-style: chr6-137219362-C-T.
Other names: short protein forms L296F.
Identifiers: ClinVar variation 199007 (VCV000199007.9), dbSNP rs760967879, ClinGen allele CA247954.